The following is an entry in ClinVar:

ClinVar aggregate classification (germline): Pathogenic (1 of 4 stars; one submission).

Conditions:
Autosomal recessive nonsyndromic hearing loss 3. Also called: NEUROSENSORY NONSYNDROMIC RECESSIVE DEAFNESS 3. Identifiers: Orphanet 90636, MedGen C1838263, MONDO:0010860, OMIM 600316.

Submission:

Institute of Rare Diseases, West China Hospital, Sichuan University
Classification: Pathogenic for Autosomal recessive nonsyndromic hearing loss 3. Last evaluated: 2025-01-09. Review status: criteria provided, single submitter. Criteria: ClinGen HL ACMG Specifications v1. Collection method: research. Allele origin: germline. Affected: yes.
Comment: PVS1;PM3;PM2_Supporting

NM_016239.4(MYO15A):c.8788+1G>A

Gene: MYO15A (myosin XVA; plus strand). Cytogenetic location: 17p11.2.
Variant type: single nucleotide variant.
Coding change: c.8788+1G>A on transcript NM_016239.4 (MANE Select); the canonical splice donor site of the intron after coding-DNA position 8788, G replaced by A.
Molecular consequence: splice donor variant.
Genome position (GRCh38, 1-based): chr17:18,157,231, G>A. VCF-style: chr17-18157231-G-A. GRCh37 (hg19) VCF-style: chr17-18060545-G-A.
Identifiers: ClinVar variation 3601408 (VCV003601408.1).